The following is an entry in ClinVar:

ClinVar aggregate classification (germline): Uncertain significance (1 of 4 stars; one submission).

Submission:

Labcorp Genetics (formerly Invitae), Labcorp
Classification: Uncertain significance. Last evaluated: 2024-03-20. Review status: criteria provided, single submitter. Criteria: Invitae Variant Classification Sherloc (09022015). Collection method: clinical testing. Allele origin: germline.
Comment: This sequence change replaces isoleucine, which is neutral and non-polar, with serine, which is neutral and polar, at codon 268 of the SMARCB1 protein (p.Ile268Ser). This variant is not present in population databases (gnomAD no frequency). This variant has not been reported in the literature in individuals affected with SMARCB1-related conditions. Advanced modeling of protein sequence and biophysical properties (such as structural, functional, and spatial information, amino acid conservation, physicochemical variation, residue mobility, and thermodynamic stability) performed at Invitae indicates that this missense variant is expected to disrupt SMARCB1 protein function with a positive predictive value of 80%. In summary, the available evidence is currently insufficient to determine the role of this variant in disease. Therefore, it has been classified as a Variant of Uncertain Significance.

NM_003073.5(SMARCB1):c.803T>G (p.Ile268Ser)

Gene: SMARCB1 (SWI/SNF related BAF chromatin remodeling complex subunit B1; plus strand). Cytogenetic location: 22q11.23.
Variant type: single nucleotide variant.
Coding change: c.803T>G on transcript NM_003073.5 (MANE Select); coding-DNA position 803, T replaced by G.
Protein change: p.Ile268Ser; replaces isoleucine 268 with serine.
Molecular consequence: missense variant.
Genome position (GRCh38, 1-based): chr22:23,825,232, T>G. VCF-style: chr22-23825232-T-G. GRCh37 (hg19) VCF-style: chr22-24167419-T-G.
Other names: c.776T>G, p.Ile259Ser (NM_001007468.3); c.830T>G, p.Ile277Ser (NM_001317946.2); c.857T>G, p.Ile286Ser (NM_001362877.2); short protein forms I277S, I286S, I259S, I268S.
Identifiers: ClinVar variation 3646900 (VCV003646900.2).